The following is an entry in ClinVar:

ClinVar aggregate classification (germline): Uncertain significance (1 of 4 stars; one submission).

gnomAD v4.1: 9 of 1,614,034 alleles (0.00056%); highest among the groups gnomAD compares: Non-Finnish European, 0.00076%; no homozygotes.

Submission:

Ambry Genetics
Classification: Uncertain significance. Last evaluated: 2025-03-28. Review status: criteria provided, single submitter. Criteria: Ambry Variant Classification Scheme 2023. Collection method: clinical testing. Allele origin: germline.
Comment: The p.A204T variant (also known as c.610G>A), located in coding exon 1 of the TET2 gene, results from a G to A substitution at nucleotide position 610. The alanine at codon 204 is replaced by threonine, an amino acid with similar properties. This amino acid position is conserved. In addition, this alteration is predicted to be tolerated by in silico analysis. Based on the available evidence, the clinical significance of this variant remains unclear.

NM_001127208.3(TET2):c.610G>A (p.Ala204Thr)

Genes: TET2 (tet methylcytosine dioxygenase 2; plus strand), TET2-AS1 (TET2 antisense RNA 1; minus strand). Cytogenetic location: 4q24.
Variant type: single nucleotide variant.
Coding change: c.610G>A on transcript NM_001127208.3 (MANE Select); coding-DNA position 610, G replaced by A.
Protein change: p.Ala204Thr; replaces alanine 204 with threonine.
Molecular consequence: missense variant.
Genome position (GRCh38, 1-based): chr4:105,234,552, G>A. VCF-style: chr4-105234552-G-A. GRCh37 (hg19) VCF-style: chr4-106155709-G-A.
Other names: c.610G>A, p.Ala204Thr (NM_017628.4); short protein forms A204T.
Identifiers: ClinVar variation 3967501 (VCV003967501.1).